The following is an entry in ClinVar:

ClinVar aggregate classification (germline): Likely pathogenic (1 of 4 stars; one submission).

Conditions:
Androgen resistance syndrome (AIS). Also called: Androgen insensitivity syndrome due to coactivator deficiency; Androgen insensitivity; DHTR DEFICIENCY; ANDROGEN RECEPTOR DEFICIENCY; DIHYDROTESTOSTERONE RECEPTOR DEFICIENCY; TESTICULAR FEMINIZATION SYNDROME. Identifiers: Orphanet 754, Orphanet 99429, MedGen C0039585, MONDO:0019154, OMIM 300068. Disease mechanism: loss of function.

Submission:

Molecular Genetics Department, Kulakov National Medical Research Center for Obstetrics, Gynecology and Perinatology
Classification: Likely pathogenic for Androgen resistance syndrome. Review status: criteria provided, single submitter. Criteria: ACMG Guidelines, 2015. Collection method: clinical testing. Allele origin: germline. Affected: yes. Observed: 1 variant allele.
Comment: A previously undescribed hemizygous nucleotide variant creates a premature translation stop signal p.Cys406Ter in the AR gene. Hemizygous variants of this type are reported in patients with androgen insensitivity, 300068. The variant is not present in population database (gnomAD no frequency). In summary, the currently available evidence indicates that the variant is pathogenic, but additional data are needed to prove that conclusively. Therefore, this variant has been classified as likely pathogenic.

NM_000044.6(AR):c.1218C>A (p.Cys406Ter)

Gene: AR (androgen receptor; plus strand). Cytogenetic location: Xq12.
Variant type: single nucleotide variant.
Coding change: c.1218C>A on transcript NM_000044.6 (MANE Select); coding-DNA position 1218, C replaced by A.
Protein change: p.Cys406Ter; replaces cysteine 406 with a stop codon.
Molecular consequence: nonsense. On other transcripts: 5 prime UTR variant (1).
Genome position (GRCh38, 1-based): chrX:67,546,364, C>A. VCF-style: chrX-67546364-C-A. GRCh37 (hg19) VCF-style: chrX-66766206-C-A.
Other names: c.-566C>A (NM_001011645.3); c.1218C>A, p.Cys406Ter (NM_001348061.1, NM_001348063.1, NM_001348064.1); short protein forms C406*.
Identifiers: ClinVar variation 4294499 (VCV004294499.1).